The following is an entry in ClinVar:

NM_000038.6(APC):c.422+975A>C

Gene: APC (APC regulator of WNT signaling pathway; plus strand). Cytogenetic location: 5q22.2.
Variant type: single nucleotide variant.
Coding change: c.422+975A>C on transcript NM_000038.6 (MANE Select); 975 bases into the intron after coding-DNA position 422, A replaced by C.
Molecular consequence: intron variant.
Genome position (GRCh38, 1-based): chr5:112,768,365, A>C. VCF-style: chr5-112768365-A-C. GRCh37 (hg19) VCF-style: chr5-112104062-A-C.
Other names: c.422+975A>C (NM_001354895.2, NM_001127510.3, NM_001354896.2 and 2 more transcripts); c.452+975A>C (NM_001354897.2, NM_001354902.2, NM_001127511.3); c.347+975A>C (NM_001354898.2, NM_001354904.2); c.-614+975A>C (NM_001354906.2); c.245+975A>C (NM_001354900.2, NM_001354901.2, NM_001354905.2).
Identifiers: ClinVar variation 82405 (VCV000082405.2), dbSNP rs78594849, ClinGen allele CA009140.

ClinVar aggregate classification (germline): other (0 of 4 stars; one submission).

Conditions:
Familial colorectal cancer. Identifiers: MedGen CN280943, MONDO:0023113. Disease mechanism: loss of function.

Submission:

Systems Biology Platform Zhejiang California International NanoSystems Institute
Classification: other for Familial colorectal cancer. Review status: no assertion criteria provided. Collection method: not provided. Allele origin: unknown.
ClinVar note: Converted during submission from cancer to other.